The following is an entry in ClinVar:

NM_007294.4(BRCA1):c.4185+5A>C

Gene: BRCA1 (BRCA1 DNA repair associated; minus strand). Cytogenetic location: 17q21.31.
Variant type: single nucleotide variant.
Coding change: c.4185+5A>C on transcript NM_007294.4 (MANE Select); 5 bases into the intron after coding-DNA position 4185, A replaced by C.
Molecular consequence: intron variant.
Genome position (GRCh38, 1-based): chr17:43,090,939, T>G on the plus strand (A>C on the coding strand, the complement: BRCA1 is on the minus strand). VCF-style: chr17-43090939-T-G. GRCh37 (hg19) VCF-style: chr17-41242956-T-G.
Other names: c.4059+5A>C (NM_001407670.1, NM_001407686.1, NM_001407691.1 and 11 more transcripts); c.756+5A>C (NM_001408431.1, NM_001408424.1, NM_001408421.1); c.873+5A>C (NM_001408407.1, NM_001408473.1, NM_001407984.1 and 13 more transcripts); c.4182+5A>C (NM_001407645.1, NM_001407628.1, NM_001407637.1 and 22 more transcripts); c.753+5A>C (NM_001408443.1, NM_001408439.1, NM_001408425.1 and 12 more transcripts); c.4062+5A>C (NM_001407664.1, NM_001407648.1, NM_001407681.1 and 19 more transcripts); c.759+5A>C (NM_001408419.1, NM_001408423.1, NM_001408420.1 and 2 more transcripts); c.876+5A>C (NM_001407983.1, NM_001408403.1, NM_001407980.1 and 17 more transcripts); and 41 more.
Identifiers: ClinVar variation 3657602 (VCV003657602.2).

ClinVar aggregate classification (germline): Uncertain significance (1 of 4 stars; one submission).

Conditions:
Hereditary breast ovarian cancer syndrome. Also called: Hereditary breast and ovarian cancer syndrome; Hereditary breast and/or ovarian cancer syndrome; Hereditary breast and ovarian cancer; Breast and ovarian cancer; Hereditary breast and ovarian cancer syndrome (HBOC); BRCA1- and BRCA2-Associated Hereditary Breast and Ovarian Cancer. Identifiers: Orphanet 145, MedGen C0677776, MeSH D061325, MONDO:0003582. Disease mechanism: loss of function.

Submission:

Labcorp Genetics (formerly Invitae), Labcorp
Classification: Uncertain significance for Hereditary breast ovarian cancer syndrome. Last evaluated: 2024-06-24. Review status: criteria provided, single submitter. Criteria: Invitae Variant Classification Sherloc (09022015). Collection method: clinical testing. Allele origin: germline.
Comment: This sequence change falls in intron 11 of the BRCA1 gene. It does not directly change the encoded amino acid sequence of the BRCA1 protein. It affects a nucleotide within the consensus splice site. This variant is not present in population databases (gnomAD no frequency). This variant has not been reported in the literature in individuals affected with BRCA1-related conditions. Variants that disrupt the consensus splice site are a relatively common cause of aberrant splicing (PMID: 17576681, 9536098). Algorithms developed to predict the effect of sequence changes on RNA splicing suggest that this variant is not likely to affect RNA splicing. In summary, the available evidence is currently insufficient to determine the role of this variant in disease. Therefore, it has been classified as a Variant of Uncertain Significance.

Literature cited by the submitters: PubMed 17576681; PubMed 9536098.